The following is an entry in ClinVar:

ClinVar aggregate classification (germline): Uncertain significance. Review status: criteria provided, multiple submitters, no conflicts (2 of 4 stars). 5 submissions from 5 submitters: Uncertain significance (5). Last evaluated 2025-07-21.

Conditions:
Hereditary cancer-predisposing syndrome. Also called: Hereditary Cancer Syndrome; Neoplastic Syndromes, Hereditary; Hereditary neoplastic syndrome; Tumor predisposition. Identifiers: Orphanet 140162, MedGen C0027672, MeSH D009386, MONDO:0015356.
POLD1-related polyposis and colorectal cancer syndrome (CRCS10). Also called: COLORECTAL CANCER, SUSCEPTIBILITY TO, ON CHROMOSOME 19q; Colorectal cancer 10; Colorectal cancer, susceptibility to, 10. Identifiers: Orphanet 220460, MedGen C2675481, MONDO:0012953, OMIM 612591.

Allele frequency attached by ClinVar (database versions not stated): ExAC 0.00001; gnomAD exomes 0.00001 and 0.00003; TOPMed 0.00001; gnomAD 0.00003.

Submissions (5):

Labcorp Genetics (formerly Invitae), Labcorp
Classification: Uncertain significance for POLD1-related polyposis and colorectal cancer syndrome. Last evaluated: 2025-07-21. Review status: criteria provided, single submitter. Criteria: Invitae Variant Classification Sherloc (09022015). Collection method: clinical testing. Allele origin: germline.
Comment: This sequence change replaces arginine, which is basic and polar, with glutamine, which is neutral and polar, at codon 652 of the POLD1 protein (p.Arg652Gln). This variant is present in population databases (rs778037523, gnomAD 0.008%). This variant has not been reported in the literature in individuals affected with POLD1-related conditions. ClinVar contains an entry for this variant (Variation ID: 239262). Invitae Evidence Modeling of protein sequence and biophysical properties (such as structural, functional, and spatial information, amino acid conservation, physicochemical variation, residue mobility, and thermodynamic stability) indicates that this missense variant is not expected to disrupt POLD1 protein function with a negative predictive value of 80%. In summary, the available evidence is currently insufficient to determine the role of this variant in disease. Therefore, it has been classified as a Variant of Uncertain Significance.

Ambry Genetics
Classification: Uncertain significance for Hereditary cancer-predisposing syndrome. Last evaluated: 2025-02-20. Review status: criteria provided, single submitter. Criteria: Ambry Variant Classification Scheme 2023. Collection method: clinical testing. Allele origin: germline.
Comment: The p.R652Q variant (also known as c.1955G>A), located in coding exon 15 of the POLD1 gene, results from a G to A substitution at nucleotide position 1955. The arginine at codon 652 is replaced by glutamine, an amino acid with highly similar properties. This amino acid position is highly conserved in available vertebrate species. In addition, the in silico prediction for this alteration is inconclusive. Based on the available evidence, the clinical significance of this variant remains unclear.

GeneDx
Classification: Uncertain significance. Last evaluated: 2025-01-31. Review status: criteria provided, single submitter. Criteria: GeneDx Variant Classification Process June 2021. Collection method: clinical testing. Allele origin: germline. Affected: yes.
Comment: Not observed at significant frequency in large population cohorts (gnomAD); In silico analysis supports that this missense variant has a deleterious effect on protein structure/function; Has not been previously published as pathogenic or benign to our knowledge; This variant is associated with the following publications: (PMID: 10541966, 20951805)

Quest Diagnostics Nichols Institute San Juan Capistrano
Classification: Uncertain significance. Last evaluated: 2018-06-20. Review status: criteria provided, single submitter. Criteria: Quest Diagnostics criteria. Collection method: clinical testing. Allele origin: germline.

Laboratory for Molecular Medicine, Mass General Brigham Personalized Medicine
Classification: Uncertain significance. Last evaluated: 2016-12-28. Review status: criteria provided, single submitter. Criteria: LMM Criteria. Collection method: clinical testing. Allele origin: germline. Observed: 1 variant allele.
Comment: The p.Arg652Gln variant in POLD1 has not been previously reported in individuals with colorectal cancer, but has been identified in 1/10178 of African chromosom es by the Exome Aggregation Consortium (ExAC; db SNP rs778037523). In vitro functional studies in a rat hepatoma cell line that c arried this change at the position corresponding to human amino acid 652 provide some evidence that the p.Arg652Gln variant may impact protein function (Popanda 1999). However, these types of assays may not accurately represent biological f unction. Computational prediction tools and conservation analysis do not provide strong support for or against an impact to the protein. In summary, the clinica l significance of the p.Arg652Gln variant is uncertain.

Literature cited by the submitters: PubMed 10541966 (cited by Laboratory for Molecular Medicine, Mass General Brigham Personalized Medicine).

NM_002691.4(POLD1):c.1955G>A (p.Arg652Gln)

Gene: POLD1 (DNA polymerase delta 1, catalytic subunit; plus strand). Cytogenetic location: 19q13.33.
Variant type: single nucleotide variant.
Coding change: c.1955G>A on transcript NM_002691.4 (MANE Select); coding-DNA position 1955, G replaced by A.
Protein change: p.Arg652Gln; replaces arginine 652 with glutamine.
Molecular consequence: missense variant. On other transcripts: non-coding transcript variant (1).
Genome position (GRCh38, 1-based): chr19:50,409,184, G>A. VCF-style: chr19-50409184-G-A. GRCh37 (hg19) VCF-style: chr19-50912441-G-A.
Other names: c.1955G>A, p.Arg652Gln (NM_001256849.1); c.2033G>A, p.Arg678Gln (NM_001308632.1); c.1955G>A (NM_002691.2); short protein forms R652Q, R678Q.
Identifiers: ClinVar variation 239262 (VCV000239262.20), dbSNP rs778037523, ClinGen allele CA9596337.